The following is an entry in ClinVar:

ClinVar aggregate classification (germline): Uncertain significance. Review status: criteria provided, multiple submitters, no conflicts (2 of 4 stars). 2 submissions from 2 submitters: Uncertain significance (2). Last evaluated 2024-01-04.

Conditions:
Early-infantile DEE. Also called: Early infantile epileptic encephalopathy; Early infantile epileptic encephalopathy with suppression bursts; Ohtahara syndrome. Identifiers: Orphanet 1934, MedGen C0393706, MONDO:0800491.

Allele frequency attached by ClinVar (database versions not stated): gnomAD exomes below 0.00001; ExAC 0.00001.
gnomAD v4.1: 4 of 1,614,176 alleles (0.00025%); highest among the groups gnomAD compares: East Asian, 0.0022%; no homozygotes.

Submissions (2):

GeneDx
Classification: Uncertain significance. Last evaluated: 2024-01-04. Review status: criteria provided, single submitter. Criteria: GeneDx Variant Classification Process June 2021. Collection method: clinical testing. Allele origin: germline. Affected: yes.
Comment: In silico analysis supports that this missense variant has a deleterious effect on protein structure/function; Missense variant in a gene in which most reported pathogenic variants are truncating/loss of function; Has not been previously published as pathogenic or benign to our knowledge

Labcorp Genetics (formerly Invitae), Labcorp
Classification: Uncertain significance for Early-infantile DEE. Last evaluated: 2022-09-09. Review status: criteria provided, single submitter. Criteria: Invitae Variant Classification Sherloc (09022015). Collection method: clinical testing. Allele origin: germline.
Comment: In summary, the available evidence is currently insufficient to determine the role of this variant in disease. Therefore, it has been classified as a Variant of Uncertain Significance. Algorithms developed to predict the effect of missense changes on protein structure and function (SIFT, PolyPhen-2, Align-GVGD) all suggest that this variant is likely to be disruptive. This variant has not been reported in the literature in individuals affected with SPTAN1-related conditions. This variant is present in population databases (rs777328879, gnomAD 0.006%). This sequence change replaces arginine, which is basic and polar, with histidine, which is basic and polar, at codon 685 of the SPTAN1 protein (p.Arg685His).

NM_001130438.3(SPTAN1):c.2054G>A (p.Arg685His)

Gene: SPTAN1 (spectrin alpha, non-erythrocytic 1; plus strand). Cytogenetic location: 9q34.11.
Variant type: single nucleotide variant.
Coding change: c.2054G>A on transcript NM_001130438.3 (MANE Select); coding-DNA position 2054, G replaced by A.
Protein change: p.Arg685His; replaces arginine 685 with histidine.
Molecular consequence: missense variant.
Genome position (GRCh38, 1-based): chr9:128,583,830, G>A. VCF-style: chr9-128583830-G-A. GRCh37 (hg19) VCF-style: chr9-131346109-G-A.
Other names: c.2054G>A (NM_001130438.2); c.2054G>A, p.Arg685His (NM_001195532.2, NM_001363759.2, NM_001363765.2 and 5 more transcripts); c.2090G>A, p.Arg697His (NM_001375312.2, NM_001375318.1); short protein forms R685H, R697H.
Identifiers: ClinVar variation 2110883 (VCV002110883.5), dbSNP rs777328879, ClinGen allele CA5264566.